The following is an entry in ClinVar:

NM_012330.4(KAT6B):c.2134G>T (p.Gly712Trp)

Gene: KAT6B (lysine acetyltransferase 6B; plus strand). Cytogenetic location: 10q22.2.
Variant type: single nucleotide variant.
Coding change: c.2134G>T on transcript NM_012330.4 (MANE Select); coding-DNA position 2134, G replaced by T.
Protein change: p.Gly712Trp; replaces glycine 712 with tryptophan.
Molecular consequence: missense variant. On other transcripts: intron variant (2).
Genome position (GRCh38, 1-based): chr10:74,979,242, G>T. VCF-style: chr10-74979242-G-T. GRCh37 (hg19) VCF-style: chr10-76739000-G-T.
Other names: c.1585G>T, p.Gly529Trp (NM_001256468.2, NM_001370138.1); c.1258G>T, p.Gly420Trp (NM_001256469.2, NM_001370132.1, NM_001370139.1 and 3 more transcripts); c.211G>T, p.Gly71Trp (NM_001370134.1); c.2134G>T, p.Gly712Trp (NM_001370136.1, NM_001370137.1); c.1069G>T, p.Gly357Trp (NM_001370143.1, NM_001370144.1); c.846+9467G>T (NM_001370133.1); c.193-9777G>T (NM_001370135.1); short protein forms G712W, G71W, G357W, G420W, G529W.
Identifiers: ClinVar variation 2057472 (VCV002057472.4), dbSNP rs530449640, ClinGen allele CA5564543.

ClinVar aggregate classification (germline): Uncertain significance (1 of 4 stars; one submission).

Conditions:
Genitopatellar syndrome (GTPTS). Also called: Genitopatellar syndrome (GPS); ABSENT PATELLAE, SCROTAL HYPOPLASIA, RENAL ANOMALIES, FACIAL DYSMORPHISM, AND MENTAL RETARDATION. Identifiers: Orphanet 85201, MedGen C1853566, MONDO:0011640, OMIM 606170.

Allele frequency attached by ClinVar (database versions not stated): ExAC 0.00001; gnomAD 0.00001; TOPMed 0.00003.
gnomAD v4.1: 9 of 1,611,954 alleles (0.00056%); highest among the groups gnomAD compares: Admixed American, 0.005%; no homozygotes.

Submission:

Labcorp Genetics (formerly Invitae), Labcorp
Classification: Uncertain significance for Genitopatellar syndrome. Last evaluated: 2025-04-29. Review status: criteria provided, single submitter. Criteria: Invitae Variant Classification Sherloc (09022015). Collection method: clinical testing. Allele origin: germline.
Comment: This sequence change replaces glycine, which is neutral and non-polar, with tryptophan, which is neutral and slightly polar, at codon 712 of the KAT6B protein (p.Gly712Trp). This variant is present in population databases (rs530449640, gnomAD 0.01%). This variant has not been reported in the literature in individuals affected with KAT6B-related conditions. ClinVar contains an entry for this variant (Variation ID: 2057472). Invitae Evidence Modeling of protein sequence and biophysical properties (such as structural, functional, and spatial information, amino acid conservation, physicochemical variation, residue mobility, and thermodynamic stability) indicates that this missense variant is not expected to disrupt KAT6B protein function with a negative predictive value of 80%. In summary, the available evidence is currently insufficient to determine the role of this variant in disease. Therefore, it has been classified as a Variant of Uncertain Significance.